The following is an entry in ClinVar:

NM_032620.4(GTPBP3):c.957G>T (p.Val319=)

Gene: GTPBP3 (GTP binding protein 3, mitochondrial; plus strand). Cytogenetic location: 19p13.11.
Variant type: single nucleotide variant.
Coding change: c.957G>T on transcript NM_032620.4 (MANE Select); coding-DNA position 957, G replaced by T.
Protein change: p.Val319=; no amino-acid change (valine 319 retained).
Molecular consequence: synonymous variant.
Genome position (GRCh38, 1-based): chr19:17,339,582, G>T. VCF-style: chr19-17339582-G-T. GRCh37 (hg19) VCF-style: chr19-17450391-G-T.
Other names: c.957G>T, p.Val319= (NM_001128855.3); c.1023G>T, p.Val341= (NM_001195422.1); c.1053G>T, p.Val351= (NM_133644.4).
Identifiers: ClinVar variation 2085760 (VCV002085760.28), dbSNP rs1297274034, ClinGen allele CA506099718.
Genomic context (GRCh38, chr19:17,339,582, plus strand): 5'-GCTGCTGAGCGACACGGCTGGGTTGCGGGAGGGCGTGGGGCCCGTGGAGCAGGAGGGCGT[G>T]CGGCGCGCCCGGGAGAGGTGGGCGGACAGGGTGGTGATGGGAGGGGAACGCGGGGCCCTT-3'
Protein context (NP_116009.2, residues 309-329): EGVGPVEQEG[Val319=]RRARERLEQA

ClinVar aggregate classification (germline): Likely benign. Review status: criteria provided, multiple submitters, no conflicts (2 of 4 stars). 2 submissions from 2 submitters: Likely benign (2). Last evaluated 2023-08-04.

Allele frequency attached by ClinVar (database versions not stated): TOPMed below 0.00001; gnomAD 0.00001.

Submissions (2):

Labcorp Genetics (formerly Invitae), Labcorp
Classification: Likely benign. Last evaluated: 2023-08-04. Review status: criteria provided, single submitter. Criteria: Invitae Variant Classification Sherloc (09022015). Collection method: clinical testing. Allele origin: germline.

CeGaT Center for Human Genetics Tuebingen
Classification: Likely benign. Last evaluated: 2022-06-01. Review status: criteria provided, single submitter. Criteria: CeGaT Center For Human Genetics Tuebingen Variant Classification Criteria Version 2. Collection method: clinical testing. Allele origin: germline. Affected: yes. Observed: 1 variant allele.
Comment: GTPBP3: BP4, BP7